The following is an entry in ClinVar:

NM_004260.4(RECQL4):c.1447C>T (p.Pro483Ser)

Gene: RECQL4 (RecQ like helicase 4; minus strand). Cytogenetic location: 8q24.3.
Variant type: single nucleotide variant.
Coding change: c.1447C>T on transcript NM_004260.4 (MANE Select); coding-DNA position 1447, C replaced by T.
Protein change: p.Pro483Ser; replaces proline 483 with serine.
Molecular consequence: missense variant. On other transcripts: 5 prime UTR variant (1), non-coding transcript variant (3).
Genome position (GRCh38, 1-based): chr8:144,515,186, G>A on the plus strand (C>T on the coding strand, the complement: RECQL4 is on the minus strand). VCF-style: chr8-144515186-G-A. GRCh37 (hg19) VCF-style: chr8-145740570-G-A.
Other names: c.1351C>T, p.Pro451Ser (NM_001413017.1, NM_001413020.1); c.1447C>T, p.Pro483Ser (NM_001413018.1, NM_001413019.1, NM_001413039.1 and 2 more transcripts); c.376C>T, p.Pro126Ser (NM_001413021.1, NM_001413022.1, NM_001413023.1 and 8 more transcripts); c.1318C>T, p.Pro440Ser (NM_001413025.1); c.310C>T, p.Pro104Ser (NM_001413027.1, NM_001413041.1, NM_001413030.1 and 2 more transcripts); c.-21C>T (NM_001413043.1); c.1096C>T, p.Pro366Ser (NM_001413029.1); short protein forms P366S, P126S, P451S, P440S, P483S, P104S.
Identifiers: ClinVar variation 2798317 (VCV002798317.3), dbSNP rs2130705887, ClinGen allele CA372684738.

ClinVar aggregate classification (germline): Uncertain significance (1 of 4 stars; one submission).

Conditions:
Baller-Gerold syndrome (BGS). Also called: CRANIOSYNOSTOSIS WITH RADIAL DEFECTS. Identifiers: Orphanet 1225, MedGen C0265308, MONDO:0009039, OMIM 218600.

Allele frequency attached by ClinVar (database versions not stated): gnomAD exomes below 0.00001.
gnomAD v4.1: 3 of 1,567,300 alleles (0.00019%); highest among the groups gnomAD compares: South Asian, 0.0012%; no homozygotes.

Submission:

Labcorp Genetics (formerly Invitae), Labcorp
Classification: Uncertain significance for Baller-Gerold syndrome. Last evaluated: 2022-12-30. Review status: criteria provided, single submitter. Criteria: Invitae Variant Classification Sherloc (09022015). Collection method: clinical testing. Allele origin: germline.
Comment: In summary, the available evidence is currently insufficient to determine the role of this variant in disease. Therefore, it has been classified as a Variant of Uncertain Significance. Advanced modeling of protein sequence and biophysical properties (such as structural, functional, and spatial information, amino acid conservation, physicochemical variation, residue mobility, and thermodynamic stability) performed at Invitae indicates that this missense variant is not expected to disrupt RECQL4 protein function. This variant has not been reported in the literature in individuals affected with RECQL4-related conditions. This variant is not present in population databases (gnomAD no frequency). This sequence change replaces proline, which is neutral and non-polar, with serine, which is neutral and polar, at codon 483 of the RECQL4 protein (p.Pro483Ser).